The following is an entry in ClinVar:

ClinVar aggregate classification (germline): Uncertain significance (1 of 4 stars; one submission).

Conditions:
Inborn genetic diseases. Identifiers: MedGen C0950123, MeSH D030342.

Submission:

Ambry Genetics
Classification: Uncertain significance for Inborn genetic diseases. Last evaluated: 2025-12-22. Review status: criteria provided, single submitter. Criteria: Ambry Variant Classification Scheme 2023. Collection method: clinical testing. Allele origin: germline.
Comment: The c.291_295delTTCCGinsACAGCTTCAAT (p.S98_A99delinsQLQS) alteration, located in exon 3 (coding exon 2) of the SCL20A2 gene, results from an in-frame deletion of 5 and insertion of 11 nucleotides at positions 291 to 295. This results in the deletion of 2 residues and insertion of 4 residues at codons 98 and 99. This variant was not reported in population-based cohorts in the Genome Aggregation Database (gnomAD). This amino acid position is highly conserved in available vertebrate species. RNA studies have demonstrated that this alteration results in an incomplete splice defect; the clinical impact of this abnormal splicing is unknown at this time (Ambry internal data). In silico splice site analysis predicts that this nucleotide alteration may result in the creation or strengthening of a novel splice acceptor site. Based on insufficient or conflicting evidence, the clinical significance of this alteration remains unclear.

NM_001257180.2(SLC20A2):c.291_295delinsACAGCTTCAAT (p.Ser98_Ala99delinsGlnLeuGlnSer)

Gene: SLC20A2 (solute carrier family 20 member 2; minus strand). Cytogenetic location: 8p11.21.
Variant type: Indel.
Coding change: c.291_295delinsACAGCTTCAAT on transcript NM_001257180.2 (MANE Select); coding-DNA positions 291 to 295, TTCCG replaced by ACAGCTTCAAT.
Protein change: p.Ser98_Ala99delinsGlnLeuGlnSer.
Molecular consequence: inframe indel.
Genome position (GRCh38, 1-based): chr8:42,465,912-42,465,916, CGGAA replaced by ATTGAAGCTGT on the plus strand (TTCCG replaced by ACAGCTTCAAT on the coding strand, the reverse complement: SLC20A2 is on the minus strand). VCF-style: chr8-42465912-CGGAA-ATTGAAGCTGT. GRCh37 (hg19) VCF-style: chr8-42323430-CGGAA-ATTGAAGCTGT.
Other names: c.291_295delinsACAGCTTCAAT, p.Ser98_Ala99delinsGlnLeuGlnSer (NM_001257181.2, NM_006749.5).
Identifiers: ClinVar variation 4631069 (VCV004631069.2).